The following is an entry in ClinVar:

ClinVar aggregate classification (somatic clinical impact): Tier II - Potential (1 of 4 stars; one submission).

Conditions:
Leukemia. Identifiers: MedGen C0023418, MeSH D007938, MONDO:0005059, HP:0001909.

Submission:

Clinical Genetics Laboratory, Hai Phong University of Medicine and Pharmacy
Classification: Tier II - Potential for Leukemia. Assertion type: diagnostic. Clinical significance: supports diagnosis. Last evaluated: 2026-05-02. Review status: criteria provided, single submitter. Criteria: AMP/ASCO/CAP Guidelines, 2017. Collection method: research. Allele origin: somatic. Affected: yes.
Comment: Classification rationale per AMP/ASCO/CAP 2017 Guidelines (PMID:27993330): Tier II - Variant of Potential Clinical Significance. Variant: NM_153813.3:c.1335delT (p.Leu446Trpfs*?) in ZFPM1, a single-nucleotide deletion causing a frameshift predicted to result in loss of function (HIGH impact, nonsense-mediated decay candidate). ZFPM1 (FOG-1) encodes a zinc finger cofactor of GATA1/GATA2 transcription factors essential for normal hematopoietic differentiation; loss-of-function alterations are biologically plausible drivers in myeloid neoplasms including chronic myelomonocytic leukemia (CMML). Population data: variant is absent from gnomAD population databases (consistent with a somatic/rare event). Evidence level: Level D (preclinical/limited case-level evidence) - supports diagnostic relevance by adding to the loss-of-function spectrum of ZFPM1 alterations in myeloid disease. No FDA-approved targeted therapy is currently associated with this variant. Classification of Tier II is assigned because of plausible biological relevance to the myeloid malignancy phenotype, while specific clinical actionability evidence remains limited.

NM_153813.3(ZFPM1):c.1335del (p.Leu446fs)

Gene: ZFPM1 (zinc finger protein, FOG family member 1; plus strand). Cytogenetic location: 16q24.2.
Variant type: Deletion.
Coding change: c.1335del on transcript NM_153813.3 (MANE Select); coding-DNA position 1335, one base deleted (T; older notation c.1335delT).
Protein change: p.Leu446fs; shifts the reading frame from leucine 446.
Molecular consequence: frameshift variant.
Genome position (GRCh38, 1-based): chr16:88,533,293, T deleted. VCF-style (leftmost placement, unchanged base first): chr16-88533292-CT-C. GRCh37 (hg19) VCF-style: chr16-88599700-CT-C.
Other names: c.1335delT (NM_153813.3); short protein forms L446fs.
Identifiers: ClinVar variation 4857725 (VCV004857725.1).